The following is an entry in ClinVar:

ClinVar aggregate classification (germline): Uncertain significance (1 of 4 stars; one submission).

Conditions:
Epidermolysis bullosa simplex with nail dystrophy (EBS5D). Identifiers: MedGen C4225309, MONDO:0014661, OMIM 616487.
Epidermolysis bullosa simplex, Ogna type (EBS5A). Also called: Pidermolysis bullosa simplex 5A, Ogna type; EPIDERMOLYSIS BULLOSA SIMPLEX 5A, OGNA TYPE. Identifiers: Orphanet 79401, MedGen C0432317, MONDO:0007555, OMIM 131950.
Autosomal recessive limb-girdle muscular dystrophy type 2Q (LGMDR17). Also called: MUSCULAR DYSTROPHY, LIMB-GIRDLE, AUTOSOMAL RECESSIVE 17. Identifiers: Orphanet 254361, MedGen C3150989, MONDO:0013390, OMIM 613723.
Epidermolysis bullosa simplex 5B, with muscular dystrophy (EBS5B). Also called: EPIDERMOLYSIS BULLOSA SIMPLEX AND LIMB-GIRDLE MUSCULAR DYSTROPHY; Epidermolysis bullosa simplex with muscular dystrophy. Identifiers: Orphanet 257, MedGen C2931072, MONDO:0009181, OMIM 226670.
Epidermolysis bullosa simplex 5C, with pyloric atresia (EBS5C). Also called: PLEC-Related Epidermolysis Bullosa with Pyloric Atresia; Epidermolysis bullosa simplex with pyloric atresia; PLEC1-Related Epidermolysis Bullosa with Pyloric Atresia. Identifiers: Orphanet 158684, MedGen C2677349, MONDO:0012807, OMIM 612138.

Submission:

Labcorp Genetics (formerly Invitae), Labcorp
Classification: Uncertain significance for Autosomal recessive limb-girdle muscular dystrophy type 2Q; Epidermolysis bullosa simplex, Ogna type; Epidermolysis bullosa simplex with nail dystrophy; Epidermolysis bullosa simplex 5C, with pyloric atresia; Epidermolysis bullosa simplex 5B, with muscular dystrophy. Last evaluated: 2024-06-10. Review status: criteria provided, single submitter. Criteria: Invitae Variant Classification Sherloc (09022015). Collection method: clinical testing. Allele origin: germline.
Comment: This sequence change creates a premature translational stop signal (p.Tyr4549*) in the PLEC gene. While this is not anticipated to result in nonsense mediated decay, it is expected to disrupt the last 26 amino acid(s) of the PLEC protein. This variant is not present in population databases (gnomAD no frequency). This variant has not been reported in the literature in individuals affected with PLEC-related conditions. In summary, the available evidence is currently insufficient to determine the role of this variant in disease. Therefore, it has been classified as a Variant of Uncertain Significance.

NM_201384.3(PLEC):c.13566C>A (p.Tyr4522Ter)

Gene: PLEC (plectin; minus strand). Cytogenetic location: 8q24.3.
Variant type: single nucleotide variant.
Coding change: c.13566C>A on transcript NM_201384.3 (MANE Select); coding-DNA position 13566, C replaced by A.
Protein change: p.Tyr4522Ter; replaces tyrosine 4522 with a stop codon.
Molecular consequence: nonsense.
Genome position (GRCh38, 1-based): chr8:143,916,255, G>T on the plus strand (C>A on the coding strand, the complement: PLEC is on the minus strand). VCF-style: chr8-143916255-G-T. GRCh37 (hg19) VCF-style: chr8-144990423-G-T.
Other names: c.13647C>A, p.Tyr4549Ter (NM_000445.5); c.10266C>A, p.Tyr3422Ter (NM_001410941.1); c.13524C>A, p.Tyr4508Ter (NM_201378.4); c.13500C>A, p.Tyr4500Ter (NM_201379.3); c.13977C>A, p.Tyr4659Ter (NM_201380.4); c.13470C>A, p.Tyr4490Ter (NM_201381.3); c.13566C>A, p.Tyr4522Ter (NM_201382.4); c.13578C>A, p.Tyr4526Ter (NM_201383.3); short protein forms Y3422*, Y4490*, Y4500*, Y4508*, Y4522*, Y4526*, Y4549*, Y4659*.
Identifiers: ClinVar variation 3756680 (VCV003756680.2).